The following is an entry in ClinVar:

NM_001242896.3(DEPDC5):c.1507A>C (p.Ser503Arg)

Gene: DEPDC5 (DEP domain containing 5, GATOR1 subcomplex subunit; plus strand). Cytogenetic location: 22q12.3.
Variant type: single nucleotide variant.
Coding change: c.1507A>C on transcript NM_001242896.3 (MANE Select); coding-DNA position 1507, A replaced by C.
Protein change: p.Ser503Arg; replaces serine 503 with arginine.
Molecular consequence: missense variant. On other transcripts: non-coding transcript variant (5).
Genome position (GRCh38, 1-based): chr22:31,815,053, A>C. VCF-style: chr22-31815053-A-C. GRCh37 (hg19) VCF-style: chr22-32211039-A-C.
Other names: c.1507A>C, p.Ser503Arg (NM_001007188.4, NM_001136029.4, NM_001242897.2 and 7 more transcripts); c.1423A>C, p.Ser475Arg (NM_001369901.1, NM_001369902.1); short protein forms S475R, S503R.
Identifiers: ClinVar variation 4537688 (VCV004537688.3).

ClinVar aggregate classification (germline): Uncertain significance. Review status: criteria provided, multiple submitters, no conflicts (2 of 4 stars). 2 submissions from 2 submitters: Uncertain significance (2). Last evaluated 2026-07-28.

Conditions:
Inborn genetic diseases. Identifiers: MedGen C0950123, MeSH D030342.

Submissions (2):

Ambry Genetics
Classification: Uncertain significance for Inborn genetic diseases. Last evaluated: 2026-07-28. Review status: criteria provided, single submitter. Criteria: Ambry Variant Classification Scheme 2023. Collection method: clinical testing. Allele origin: germline.

GeneDx
Classification: Uncertain significance. Last evaluated: 2026-01-26. Review status: criteria provided, single submitter. Criteria: GeneDx Variant Classification Process June 2021. Collection method: clinical testing. Allele origin: germline.
Comment: Not observed at significant frequency in large population cohorts (gnomAD); In silico analysis suggests that this missense variant does not alter protein structure/function; Has not been previously published as pathogenic or benign to our knowledge